The following is an entry in ClinVar:

ClinVar aggregate classification (germline): Benign/Likely benign. Review status: criteria provided, multiple submitters, no conflicts (2 of 4 stars). 3 submissions from 3 submitters: Benign (2); Likely benign (1). Last evaluated 2022-07-01.

Allele frequency attached by ClinVar (database versions not stated): 1000 Genomes Project 0.00240; 1000 Genomes Project 30x 0.00265; TOPMed 0.00328; ESP Exome Variant Server 0.00408; gnomAD 0.00420.
gnomAD v4.1: 7,168 of 1,613,838 alleles (0.44%); highest among the groups gnomAD compares: Non-Finnish European, 0.53%; 28 homozygotes.

Submissions (3):

CeGaT Center for Human Genetics Tuebingen
Classification: Likely benign. Last evaluated: 2022-07-01. Review status: criteria provided, single submitter. Criteria: CeGaT Center For Human Genetics Tuebingen Variant Classification Criteria Version 2. Collection method: clinical testing. Allele origin: germline. Affected: yes. Observed: 2 variant alleles.
Comment: ZNF804A: BP4, BP7

Labcorp Genetics (formerly Invitae), Labcorp
Classification: Benign. Last evaluated: 2019-12-31. Review status: criteria provided, single submitter. Criteria: Invitae Variant Classification Sherloc (09022015). Collection method: clinical testing. Allele origin: germline.

Breakthrough Genomics
Classification: Benign. Review status: criteria provided, single submitter. Criteria: ACMG Guidelines, 2015. Collection method: not provided. Allele origin: germline. Inheritance: Unknown mechanism. Affected: yes.

NM_194250.2(ZNF804A):c.1188C>T (p.Pro396=)

Gene: ZNF804A (zinc finger protein 804A; plus strand). Cytogenetic location: 2q32.1.
Variant type: single nucleotide variant.
Coding change: c.1188C>T on transcript NM_194250.2 (MANE Select); coding-DNA position 1188, C replaced by T.
Protein change: p.Pro396=; no amino-acid change (proline 396 retained).
Molecular consequence: synonymous variant.
Genome position (GRCh38, 1-based): chr2:184,936,584, C>T. VCF-style: chr2-184936584-C-T. GRCh37 (hg19) VCF-style: chr2-185801311-C-T.
Identifiers: ClinVar variation 770510 (VCV000770510.29), dbSNP rs34345078, ClinGen allele CA2015916.